The following is an entry in ClinVar:

ClinVar aggregate classification (germline): Uncertain significance (1 of 4 stars; one submission).

Submission:

Labcorp Genetics (formerly Invitae), Labcorp
Classification: Uncertain significance. Last evaluated: 2022-09-01. Review status: criteria provided, single submitter. Criteria: Invitae Variant Classification Sherloc (09022015). Collection method: clinical testing. Allele origin: germline.
Comment: In summary, the available evidence is currently insufficient to determine the role of this variant in disease. Therefore, it has been classified as a Variant of Uncertain Significance. Algorithms developed to predict the effect of missense changes on protein structure and function are either unavailable or do not agree on the potential impact of this missense change (SIFT: "Deleterious"; PolyPhen-2: "Benign"; Align-GVGD: "Class C0"). This variant has not been reported in the literature in individuals affected with GNAS-related conditions. This variant is not present in population databases (gnomAD no frequency). This sequence change replaces glutamic acid, which is acidic and polar, with lysine, which is basic and polar, at codon 74 of the GNAS protein (p.Glu74Lys).

NM_000516.7(GNAS):c.220G>A (p.Glu74Lys)

Gene: GNAS (GNAS complex locus; plus strand). Cytogenetic location: 20q13.32.
Variant type: single nucleotide variant.
Coding change: c.220G>A on transcript NM_000516.7 (MANE Select); coding-DNA position 220, G replaced by A.
Protein change: p.Glu74Lys; replaces glutamic acid 74 with lysine.
Molecular consequence: missense variant. On other transcripts: 3 prime UTR variant (3), non-coding transcript variant (2), intron variant (2).
Genome position (GRCh38, 1-based): chr20:58,898,948, G>A. VCF-style: chr20-58898948-G-A. GRCh37 (hg19) VCF-style: chr20-57474003-G-A.
Other names: c.220G>A, p.Glu74Lys (NM_001077488.5, NM_001309842.2); c.*81G>A (NM_001077490.3); c.43G>A, p.Glu15Lys (NM_001309840.2, NM_001309861.2); c.*239G>A (NM_001309883.1); c.124G>A, p.Glu42Lys (NM_001410912.1); c.*123G>A (NM_016592.5); c.2149G>A, p.Glu717Lys (NM_080425.4); c.212+3264G>A (NM_080426.4, NM_001077489.4); short protein forms E42K, E74K, E15K, E717K.
Identifiers: ClinVar variation 1998276 (VCV001998276.4), dbSNP rs2146079053, ClinGen allele CA409450084.